The following is an entry in ClinVar:

ClinVar aggregate classification (germline): Uncertain significance. Review status: criteria provided, multiple submitters, no conflicts (2 of 4 stars). 3 submissions from 3 submitters: Uncertain significance (3). Last evaluated 2025-11-10.

Conditions:
Hereditary cancer-predisposing syndrome. Also called: Neoplastic Syndromes, Hereditary; Tumor predisposition; Hereditary Cancer Syndrome; Hereditary neoplastic syndrome. Identifiers: Orphanet 140162, MedGen C0027672, MeSH D009386, MONDO:0015356.
Familial cancer of breast. Also called: BREAST CANCER, FAMILIAL; Hereditary breast cancer; hereditary breast carcinoma. Identifiers: Orphanet 227535, MedGen C0346153, MONDO:0016419, OMIM 114480. Disease mechanism: loss of function.

Allele frequency attached by ClinVar (database versions not stated): gnomAD exomes below 0.00001.
gnomAD v4.1: 2 of 1,614,058 alleles (0.00012%); highest among the groups gnomAD compares: Non-Finnish European, 0.00017%; no homozygotes.

Submissions (3):

Labcorp Genetics (formerly Invitae), Labcorp
Classification: Uncertain significance for Familial cancer of breast. Last evaluated: 2025-11-10. Review status: criteria provided, single submitter. Criteria: Invitae Variant Classification Sherloc (09022015). Collection method: clinical testing. Allele origin: germline.
Comment: This sequence change replaces glycine, which is neutral and non-polar, with arginine, which is basic and polar, at codon 964 of the PALB2 protein (p.Gly964Arg). This variant is not present in population databases (gnomAD no frequency). This variant has not been reported in the literature in individuals affected with PALB2-related conditions. ClinVar contains an entry for this variant (Variation ID: 140789). Invitae Evidence Modeling of protein sequence and biophysical properties (such as structural, functional, and spatial information, amino acid conservation, physicochemical variation, residue mobility, and thermodynamic stability) indicates that this missense variant is expected to disrupt PALB2 protein function with a positive predictive value of 80%. In summary, the available evidence is currently insufficient to determine the role of this variant in disease. Therefore, it has been classified as a Variant of Uncertain Significance.

Ambry Genetics
Classification: Uncertain significance for Hereditary cancer-predisposing syndrome. Last evaluated: 2025-08-22. Review status: criteria provided, single submitter. Criteria: Ambry Variant Classification Scheme 2023. Collection method: clinical testing. Allele origin: germline.
Comment: The p.G964R variant (also known as c.2890G>A), located in coding exon 9 of the PALB2 gene, results from a G to A substitution at nucleotide position 2890. The glycine at codon 964 is replaced by arginine, an amino acid with dissimilar properties. This amino acid position is highly conserved in available vertebrate species. In addition, the in silico prediction for this alteration is inconclusive. Based on the available evidence, the clinical significance of this variant remains unclear.

GeneDx
Classification: Uncertain significance. Last evaluated: 2016-02-16. Review status: criteria provided, single submitter. Criteria: GeneDx Variant Classification (06012015). Collection method: clinical testing. Allele origin: germline. Affected: yes.
Comment: This variant is denoted PALB2 c.2890G>A at the cDNA level, p.Gly964Arg (G964R) at the protein level, and results in the change of a Glycine to an Arginine (GGA>AGA). This variant has not, to our knowledge, been published in the literature as pathogenic or benign. PALB2 Gly964Arg was not observed in approximately 6,500 individuals of European and African American ancestry in the NHLBI Exome Sequencing Project, suggesting it is not a common benign variant in these populations. Since Glycine and Arginine differ in polarity, charge, size or other properties, this is considered a non-conservative amino acid substitution. PALB2 Gly964Arg occurs at a position that is conserved across species and is located in the region of interaction with POLH, RAD51, and BRCA2 and in the WD3 repeat region (UniProt). In silico analyses predict that this variant is probably damaging to protein structure and function. Based on currently available evidence, it is unclear whether PALB2 Gly964Arg is a pathogenic or benign variant. We consider it to be a variant of uncertain significance.

NM_024675.4(PALB2):c.2890G>A (p.Gly964Arg)

Gene: PALB2 (partner and localizer of BRCA2; minus strand). Cytogenetic location: 16p12.2.
Variant type: single nucleotide variant.
Coding change: c.2890G>A on transcript NM_024675.4 (MANE Select); coding-DNA position 2890, G replaced by A.
Protein change: p.Gly964Arg; replaces glycine 964 with arginine.
Molecular consequence: missense variant.
Genome position (GRCh38, 1-based): chr16:23,623,075, C>T on the plus strand (G>A on the coding strand, the complement: PALB2 is on the minus strand). VCF-style: chr16-23623075-C-T. GRCh37 (hg19) VCF-style: chr16-23634396-C-T.
Other names: short protein forms G964R.
Identifiers: ClinVar variation 140789 (VCV000140789.16), dbSNP rs587781280, ClinGen allele CA163558.